The following is an entry in ClinVar:

ClinVar aggregate classification (germline): Likely pathogenic. Review status: criteria provided, multiple submitters, no conflicts (2 of 4 stars). 2 submissions from 2 submitters: Likely pathogenic (2). Last evaluated 2022-11-20.

Conditions:
Polycystic kidney disease, adult type (PKD1). Also called: Polycystic Kidney Disease 1, Autosomal Dominant; Polycystic kidney disease 1; Polycystic kidney disease 1, severe; Polycystic Kidney, Autosomal Dominant; POLYCYSTIC KIDNEY DISEASE 1 WITH OR WITHOUT POLYCYSTIC LIVER DISEASE; POLYCYSTIC KIDNEY DISEASE, ADULT, TYPE I. Identifiers: MedGen C3149841, MONDO:0008263, OMIM 173900.
Autosomal dominant polycystic kidney disease. Identifiers: Orphanet 730, MedGen C0085413, MONDO:0004691.

Submissions (2):

Molecular Genetics of Inherited Kidney Disorders Laboratory, Garvan Institute of Medical Research
Classification: Likely pathogenic for Autosomal dominant polycystic kidney disease. Last evaluated: 2022-11-20. Review status: criteria provided, single submitter. Criteria: ACMG Guidelines, 2015. Collection method: research. Allele origin: germline. Affected: yes.

Victorian Clinical Genetics Services, Murdoch Childrens Research Institute
Classification: Likely pathogenic for Polycystic kidney disease, adult type. Last evaluated: 2022-03-31. Review status: criteria provided, single submitter. Criteria: ACMG Guidelines, 2015. Collection method: clinical testing. Allele origin: germline. Inheritance: Autosomal dominant inheritance.
Comment: Based on the classification scheme VCGS_Germline_v1.3.4, this variant is classified as Likely pathogenic. Following criteria are met: 0102 - Loss of function is a known mechanism of disease in this gene and is associated with polycystic kidney disease 1 (MIM#173900). (I) 0107 - This gene is associated with autosomal dominant disease. Polycystic kidney disease 1 (MIM#173900) is predominantly caused by monoallelic variants, with rare reports of biallelic variants causing disease (OMIM). (I) 0209 - Splice site variant proven to affect splicing of the transcript with uncertain effect on protein sequence. RT-PCR studies (Garvan Institute of Medical Research) have indicated this variant results in both skipping of exon 38 and retention of part of intron 37 due to activation of a cryptic splice site. These results are comparable to the c.11017-10C>A variant, which has been reported in multiple patients with ADPKD (PKD database, ClinVar, PMID: 17582161). Exon 38 skipping is also observed at lower levels in healthy controls. (SP) 0251 - This variant is heterozygous. (I) 0301 - Variant is absent from gnomAD (both v2 and v3). (SP) 0506 - Abnormal splicing is not predicted and nucleotide is poorly conserved. (SB) 0705 - No comparable variants have previous evidence for pathogenicity. (I) 0807 - This variant has no previous evidence of pathogenicity. (I) 0905 - No published segregation evidence has been identified for this variant. (I) 1007 - No published functional evidence has been identified for this variant. (I) 1208 - Inheritance information for this variant is not currently available in this individual. (I) Legend: (SP) - Supporting pathogenic, (I) - Information, (SB) - Supporting benign

Literature cited by the submitters: PubMed 17582161 (cited by Victorian Clinical Genetics Services, Murdoch Childrens Research Institute).

NM_001009944.3(PKD1):c.11017-25A>G

Genes: PKD1 (polycystin 1, transient receptor potential channel interacting; minus strand), PKD1-AS1 (PKD1 antisense RNA 1; plus strand). Cytogenetic location: 16p13.3.
Variant type: single nucleotide variant.
Coding change: c.11017-25A>G on transcript NM_001009944.3 (MANE Select); 25 bases into the intron before coding-DNA position 11017, A replaced by G.
Molecular consequence: intron variant.
Genome position (GRCh38, 1-based): chr16:2,093,118, T>C on the plus strand (A>G on the coding strand, the complement: PKD1 is on the minus strand). VCF-style: chr16-2093118-T-C. GRCh37 (hg19) VCF-style: chr16-2143119-T-C.
Other names: c.11014-25A>G (NM_000296.4).
Identifiers: ClinVar variation 1800458 (VCV001800458.23), dbSNP rs2151704874, ClinGen allele CA2573050757.